The following is an entry in ClinVar:

NM_001829.4(CLCN3):c.1949A>G (p.His650Arg)

Gene: CLCN3 (chloride voltage-gated channel 3; plus strand). Cytogenetic location: 4q33.
Variant type: single nucleotide variant.
Coding change: c.1949A>G on transcript NM_001829.4 (MANE Select); coding-DNA position 1949, A replaced by G.
Protein change: p.His650Arg; replaces histidine 650 with arginine.
Molecular consequence: missense variant.
Genome position (GRCh38, 1-based): chr4:169,707,066, A>G. VCF-style: chr4-169707066-A-G. GRCh37 (hg19) VCF-style: chr4-170628217-A-G.
Other names: c.1868A>G, p.His623Arg (NM_001243372.2, NM_001243374.2); c.1949A>G, p.His650Arg (NM_173872.4); short protein forms H623R, H650R.
Identifiers: ClinVar variation 2575062 (VCV002575062.2), dbSNP rs1480268486, ClinGen allele CA358741139.
Genomic context (GRCh38, chr4:169,707,066, plus strand): 5'-ATGAAGCACACATCCGATTAAATGGATACCCTTTCTTGGATGCAAAAGAAGAATTCACTC[A>G]TACCACCCTGGCTGCTGACGTTATGAGACCTCGAAGGAATGATCCTCCCTTAGCTGTCCT-3'
Protein context (NP_001820.2, residues 640-660): PFLDAKEEFT[His650Arg]TTLAADVMRP

ClinVar aggregate classification (germline): Uncertain significance (1 of 4 stars; one submission).

Conditions:
Neurodevelopmental disorder with hypotonia and brain abnormalities. Identifiers: MedGen C5561977, MONDO:0859187, OMIM 619512.

Submission:

Center for Human Genetics and Genomic Medicine, Uniklinik Rwth Aachen
Classification: Uncertain significance for Neurodevelopmental disorder with hypotonia and brain abnormalities. Last evaluated: 2023-06-15. Review status: criteria provided, single submitter. Criteria: ACMG Guidelines, 2015. Collection method: clinical testing. Allele origin: de novo. Inheritance: Autosomal dominant inheritance. Affected: yes.
Comment: The variant has not been detected in the general population (gnomAD). It has not yet been described in the literature, the dbSNP151 database or the ClinVar database. Bioinformatically, the alteration is inconsistently classified as "probably disease-causing" (SIFT, MutationTaster) and "probably benign" (PolyPhen2) (CADDphred 25.5). Therefore, the variant has been considered as a "variant of uncertain significance" (PS2, PM2, BP4, ACMG criteria).